The following is an entry in ClinVar:

NM_021803.4(IL21):c.337G>A (p.Gly113Arg)

Gene: IL21 (interleukin 21; minus strand). Cytogenetic location: 4q27.
Variant type: single nucleotide variant.
Coding change: c.337G>A on transcript NM_021803.4 (MANE Select); coding-DNA position 337, G replaced by A.
Protein change: p.Gly113Arg; replaces glycine 113 with arginine.
Molecular consequence: missense variant.
Genome position (GRCh38, 1-based): chr4:122,615,705, C>T on the plus strand (G>A on the coding strand, the complement: IL21 is on the minus strand). VCF-style: chr4-122615705-C-T. GRCh37 (hg19) VCF-style: chr4-123536860-C-T.
Other names: c.337G>A, p.Gly113Arg (NM_001207006.3); c.337G>A (NM_021803.2); short protein forms G113R.
Identifiers: ClinVar variation 1047806 (VCV001047806.7), dbSNP rs145809792, ClinGen allele CA3069130.
Genomic context (GRCh38, chr4:122,615,705, plus strand): 5'-AAGTACAAATAAGAGAGATGACAAATGACAATCTTACTAGTCTGTGTTTCTGTCTTCTCC[C>T]TGCATTTGTGGAAGGTGGTTTCCTCTTCAGCTTTTTAATTGATACATTGATTATCCTTTC-3'
Protein context (NP_068575.1, residues 103-123): LKRKPPSTNA[Gly113Arg]RRQKHRLTCP

ClinVar aggregate classification (germline): Uncertain significance. Review status: criteria provided, multiple submitters, no conflicts (2 of 4 stars). 2 submissions from 2 submitters: Uncertain significance (2). Last evaluated 2025-02-28.

Allele frequency attached by ClinVar (database versions not stated): gnomAD exomes below 0.00001 and 0.00001; ExAC 0.00002; gnomAD 0.00003 and 0.00004; TOPMed 0.00008; ESP Exome Variant Server 0.00031.
gnomAD v4.1: 7 of 1,613,008 alleles (0.00043%); highest among the groups gnomAD compares: African/African-American, 0.008%; no homozygotes.

Submissions (2):

Labcorp Genetics (formerly Invitae), Labcorp
Classification: Uncertain significance. Last evaluated: 2025-02-28. Review status: criteria provided, single submitter. Criteria: Invitae Variant Classification Sherloc (09022015). Collection method: clinical testing. Allele origin: germline.
Comment: This sequence change replaces glycine, which is neutral and non-polar, with arginine, which is basic and polar, at codon 113 of the IL21 protein (p.Gly113Arg). This variant is present in population databases (rs145809792, gnomAD 0.02%). This variant has not been reported in the literature in individuals affected with IL21-related conditions. ClinVar contains an entry for this variant (Variation ID: 1047806). An algorithm developed to predict the effect of missense changes on protein structure and function outputs the following: PolyPhen-2: "Benign". The arginine amino acid residue is found in multiple mammalian species, which suggests that this missense change does not adversely affect protein function. In summary, the available evidence is currently insufficient to determine the role of this variant in disease. Therefore, it has been classified as a Variant of Uncertain Significance.

Ambry Genetics
Classification: Uncertain significance. Last evaluated: 2021-10-21. Review status: criteria provided, single submitter. Criteria: Ambry Variant Classification Scheme 2023. Collection method: clinical testing. Allele origin: germline.